The following is an entry in ClinVar:

ClinVar aggregate classification (germline): Uncertain significance (1 of 4 stars; one submission).

Conditions:
Maple syrup urine disease (MSUD). Identifiers: Orphanet 511, MedGen C0024776, MeSH D008375, MONDO:0009563. Disease mechanism: loss of function.

Allele frequency attached by ClinVar (database versions not stated): gnomAD exomes below 0.00001.
gnomAD v4.1: 1 of 1,613,852 alleles (0.000062%); highest among the groups gnomAD compares: Non-Finnish European, 0.000085%; no homozygotes.

Submission:

Labcorp Genetics (formerly Invitae), Labcorp
Classification: Uncertain significance for Maple syrup urine disease. Last evaluated: 2021-11-11. Review status: criteria provided, single submitter. Criteria: Invitae Variant Classification Sherloc (09022015). Collection method: clinical testing. Allele origin: germline.
Comment: Algorithms developed to predict the effect of missense changes on protein structure and function are either unavailable or do not agree on the potential impact of this missense change (SIFT: "Deleterious"; PolyPhen-2: "Probably Damaging"; Align-GVGD: "Class C0"). This sequence change replaces proline, which is neutral and non-polar, with leucine, which is neutral and non-polar, at codon 377 of the BCKDHB protein (p.Pro377Leu). This variant is not present in population databases (gnomAD no frequency). This missense change has been observed in individual(s) with clinical features of BCKDHB-related conditions (Invitae). ClinVar contains an entry for this variant (Variation ID: 527131). In summary, the available evidence is currently insufficient to determine the role of this variant in disease. Therefore, it has been classified as a Variant of Uncertain Significance.

NM_183050.4(BCKDHB):c.1130C>T (p.Pro377Leu)

Gene: BCKDHB (branched chain keto acid dehydrogenase E1 subunit beta; plus strand). Cytogenetic location: 6q14.1.
Variant type: single nucleotide variant.
Coding change: c.1130C>T on transcript NM_183050.4 (MANE Select); coding-DNA position 1130, C replaced by T.
Protein change: p.Pro377Leu; replaces proline 377 with leucine.
Molecular consequence: missense variant. On other transcripts: non-coding transcript variant (1).
Genome position (GRCh38, 1-based): chr6:80,343,755, C>T. VCF-style: chr6-80343755-C-T. GRCh37 (hg19) VCF-style: chr6-81053472-C-T.
Other names: c.1130C>T, p.Pro377Leu (NM_000056.5); c.920C>T, p.Pro307Leu (NM_001318975.1); short protein forms P377L, P307L.
Identifiers: ClinVar variation 527131 (VCV000527131.6), dbSNP rs1554216354, ClinGen allele CA365021551.